The following is an entry in ClinVar:

ClinVar aggregate classification (germline): Pathogenic (1 of 4 stars; one submission).

Conditions:
Nephronophthisis 18 (NPHP18). Identifiers: Orphanet 655, MedGen C3890591, MONDO:0014374, OMIM 615862.

Allele frequency attached by ClinVar (database versions not stated): gnomAD 0.00001; gnomAD exomes 0.00001; TOPMed 0.00001.
gnomAD v4.1: 8 of 1,607,888 alleles (0.0005%); highest among the groups gnomAD compares: South Asian, 0.0022%; no homozygotes.

Submission:

Labcorp Genetics (formerly Invitae), Labcorp
Classification: Pathogenic for Nephronophthisis 18. Last evaluated: 2025-05-23. Review status: criteria provided, single submitter. Criteria: Invitae Variant Classification Sherloc (09022015). Collection method: clinical testing. Allele origin: germline.
Comment: This sequence change creates a premature translational stop signal (p.Arg630*) in the CEP83 gene. It is expected to result in an absent or disrupted protein product. Loss-of-function variants in CEP83 are known to be pathogenic (PMID: 23530209, 24882706). This variant is present in population databases (no rsID available, gnomAD 0.02%). This variant has not been reported in the literature in individuals affected with CEP83-related conditions. ClinVar contains an entry for this variant (Variation ID: 578457). For these reasons, this variant has been classified as Pathogenic.

Literature cited by the submitters: PubMed 23530209; PubMed 24882706.

NM_016122.3(CEP83):c.1888C>T (p.Arg630Ter)

Gene: CEP83 (centrosomal protein 83; minus strand). Cytogenetic location: 12q22.
Variant type: single nucleotide variant.
Coding change: c.1888C>T on transcript NM_016122.3 (MANE Select); coding-DNA position 1888, C replaced by T.
Protein change: p.Arg630Ter; replaces arginine 630 with a stop codon.
Molecular consequence: nonsense. On other transcripts: non-coding transcript variant (2).
Genome position (GRCh38, 1-based): chr12:94,310,031, G>A on the plus strand (C>T on the coding strand, the complement: CEP83 is on the minus strand). VCF-style: chr12-94310031-G-A. GRCh37 (hg19) VCF-style: chr12-94703807-G-A.
Other names: c.1888C>T, p.Arg630Ter (NM_001042399.2, NM_001346457.2, NM_001368037.1 and 1 more transcripts); c.1576C>T, p.Arg526Ter (NM_001346458.2, NM_001346459.2, NM_001368039.1 and 1 more transcripts); c.1663C>T, p.Arg555Ter (NM_001368041.1); short protein forms R630*, R555*, R526*.
Identifiers: ClinVar variation 578457 (VCV000578457.6), dbSNP rs1207804224, ClinGen allele CA386046414.
Genomic context (GRCh38, chr12:94,310,031, plus strand): 5'-GAAAGCTAACAGGATTGATAGATGCTGTTGGAGGCATGTTAGGAACCAAAATTAGACTTC[G>A]AAATTCATTATGTCTTCTCTGTATATCTTTTAGTCTTTTTTGAAGCCTTGTATAGTCTTC-3'